The following is an entry in ClinVar:

NM_177438.3(DICER1):c.3540C>G (p.Tyr1180Ter)

Gene: DICER1 (dicer 1, ribonuclease III; minus strand). Cytogenetic location: 14q32.13.
Variant type: single nucleotide variant.
Coding change: c.3540C>G on transcript NM_177438.3 (MANE Select); coding-DNA position 3540, C replaced by G.
Protein change: p.Tyr1180Ter; replaces tyrosine 1180 with a stop codon.
Molecular consequence: nonsense. On other transcripts: non-coding transcript variant (6).
Genome position (GRCh38, 1-based): chr14:95,103,856, G>C on the plus strand (C>G on the coding strand, the complement: DICER1 is on the minus strand). VCF-style: chr14-95103856-G-C. GRCh37 (hg19) VCF-style: chr14-95570193-G-C.
Other names: c.3540C>G, p.Tyr1180Ter (NM_001195573.1, NM_001271282.3, NM_001291628.2 and 13 more transcripts); c.3258C>G, p.Tyr1086Ter (NM_001395686.1); c.3135C>G, p.Tyr1045Ter (NM_001395687.1, NM_001395688.1, NM_001395689.1 and 2 more transcripts); c.2973C>G, p.Tyr991Ter (NM_001395691.1); c.1857C>G, p.Tyr619Ter (NM_001395697.1); short protein forms Y1045*, Y619*, Y1086*, Y991*, Y1180*.
Identifiers: ClinVar variation 1732465 (VCV001732465.8), dbSNP rs886037704, ClinGen allele CA390875013.

ClinVar aggregate classification (germline): Pathogenic. Review status: criteria provided, multiple submitters, no conflicts (2 of 4 stars). 4 submissions from 4 submitters: Pathogenic (4). Last evaluated 2026-04-01.

Conditions:
DICER1-related tumor predisposition. Also called: DICER1-related pleuropulmonary blastoma cancer predisposition syndrome; DICER1 syndrome. Identifiers: Orphanet 284343, MedGen C3839822, MONDO:0100216.
Hereditary cancer-predisposing syndrome. Also called: Neoplastic Syndromes, Hereditary; Tumor predisposition; Hereditary neoplastic syndrome; Hereditary Cancer Syndrome. Identifiers: Orphanet 140162, MedGen C0027672, MeSH D009386, MONDO:0015356.

Submissions (4):

Myriad Genetics, Inc.
Classification: Pathogenic for DICER1-related tumor predisposition. Last evaluated: 2026-04-01. Review status: criteria provided, single submitter. Criteria: Myriad Autosomal Dominant, Autosomal Recessive and X-Linked Classification Criteria (2023). Collection method: clinical testing. Allele origin: unknown.
Comment: This variant is considered pathogenic. This variant creates a termination codon and is predicted to result in premature protein truncation.

Molecular Pathology, Peter Maccallum Cancer Centre
Classification: Pathogenic for DICER1-related tumor predisposition. Last evaluated: 2024-09-04. Review status: criteria provided, single submitter. Criteria: ACMG Guidelines, 2015. Collection method: clinical testing. Allele origin: germline. Inheritance: Autosomal dominant inheritance.

Ambry Genetics
Classification: Pathogenic for Hereditary cancer-predisposing syndrome. Last evaluated: 2024-07-01. Review status: criteria provided, single submitter. Criteria: Ambry Variant Classification Scheme 2023. Collection method: clinical testing. Allele origin: germline.
Comment: The p.Y1180* pathogenic mutation (also known as c.3540C>G), located in coding exon 20 of the DICER1 gene, results from a C to G substitution at nucleotide position 3540. This changes the amino acid from a tyrosine to a stop codon within coding exon 20. This variant is considered to be rare based on population cohorts in the Genome Aggregation Database (gnomAD). In addition to the clinical data presented in the literature, this alteration is expected to result in loss of function by premature protein truncation or nonsense-mediated mRNA decay. As such, this alteration is interpreted as a disease-causing mutation.

Labcorp Genetics (formerly Invitae), Labcorp
Classification: Pathogenic for DICER1-related tumor predisposition. Last evaluated: 2023-10-05. Review status: criteria provided, single submitter. Criteria: Invitae Variant Classification Sherloc (09022015). Collection method: clinical testing. Allele origin: germline.
Comment: This sequence change creates a premature translational stop signal (p.Tyr1180*) in the DICER1 gene. It is expected to result in an absent or disrupted protein product. Loss-of-function variants in DICER1 are known to be pathogenic (PMID: 19556464, 21266384). This variant is not present in population databases (gnomAD no frequency). This premature translational stop signal has been observed in individual(s) with DICER1 syndrome (PMID: 27830405). ClinVar contains an entry for this variant (Variation ID: 1732465). For these reasons, this variant has been classified as Pathogenic.

Literature cited by the submitters: PubMed 25451712 (cited by Ambry Genetics); PubMed 26925222 (cited by Ambry Genetics); PubMed 27830405 (cited by Ambry Genetics and Labcorp Genetics (formerly Invitae), Labcorp); PubMed 19556464 (cited by Labcorp Genetics (formerly Invitae), Labcorp); PubMed 21266384 (cited by Labcorp Genetics (formerly Invitae), Labcorp).